The following is an entry in ClinVar:

ClinVar aggregate classification (germline): Likely benign. Review status: criteria provided, multiple submitters, no conflicts (2 of 4 stars). 4 submissions from 4 submitters: Likely benign (2). 2 of the submissions do not count toward it. Last evaluated 2020-10-13.

Conditions:
PRPH-related disorder. Also called: PRPH-related condition.

Allele frequency attached by ClinVar (database versions not stated): 1000 Genomes Project 30x 0.01421; TOPMed 0.01483; 1000 Genomes Project 0.01498; gnomAD 0.01517 and 0.01563; ExAC 0.01761; gnomAD exomes 0.01793; ESP Exome Variant Server 0.01127.

Submissions (4):

GeneDx
Classification: Likely benign. Last evaluated: 2020-10-13. Review status: criteria provided, single submitter. Criteria: GeneDx Variant Classification Process June 2021. Collection method: clinical testing. Allele origin: germline. Affected: yes.

Breakthrough Genomics
Classification: Likely benign. Review status: criteria provided, single submitter. Criteria: ACMG Guidelines, 2015. Collection method: not provided. Allele origin: germline. Inheritance: Autosomal dominant inheritance. Affected: yes.

PreventionGenetics, part of Exact Sciences
Classification: Benign for PRPH-related condition. Last evaluated: 2019-02-21. Review status: no assertion criteria provided. Collection method: clinical testing. Allele origin: germline. Not counted in ClinVar's aggregate classification.
Comment: This variant is classified as benign based on ACMG/AMP sequence variant interpretation guidelines (Richards et al. 2015 PMID: 25741868, with internal and published modifications).

Epithelial Biology;  Institute of Medical Biology, Singapore
No classification provided. Review status: no classification provided. Collection method: not provided. Allele origin: not provided. Not counted in ClinVar's aggregate classification.

NM_006262.4(PRPH):c.1083C>G (p.Leu361=)

Genes: PRPH (peripherin; plus strand), TROAP-AS1 (TROAP and PRPH antisense RNA 1; minus strand), LOC124629354 (Sharpr-MPRA regulatory region 11953; plus strand). Cytogenetic location: 12q13.12.
Variant type: single nucleotide variant.
Coding change: c.1083C>G on transcript NM_006262.4 (MANE Select); coding-DNA position 1083, C replaced by G.
Protein change: p.Leu361=; no amino-acid change (leucine 361 retained).
Molecular consequence: synonymous variant. On other transcripts: non-coding transcript variant (1).
Genome position (GRCh38, 1-based): chr12:49,297,443, C>G. VCF-style: chr12-49297443-C-G. GRCh37 (hg19) VCF-style: chr12-49691226-C-G.
Identifiers: ClinVar variation 66705 (VCV000066705.7), dbSNP rs62636517, ClinGen allele CA217596.